The following is an entry in ClinVar:

ClinVar aggregate classification (germline): Uncertain significance (1 of 4 stars; one submission).

Allele frequency attached by ClinVar (database versions not stated): gnomAD 0.00001; TOPMed 0.00002; ExAC 0.00003; 1000 Genomes Project 30x 0.00016; 1000 Genomes Project 0.00020.
gnomAD v4.1: 19 of 1,613,270 alleles (0.0012%); highest among the groups gnomAD compares: South Asian, 0.0077%; no homozygotes.

Submission:

Labcorp Genetics (formerly Invitae), Labcorp
Classification: Uncertain significance. Last evaluated: 2024-01-03. Review status: criteria provided, single submitter. Criteria: Invitae Variant Classification Sherloc (09022015). Collection method: clinical testing. Allele origin: germline.
Comment: This sequence change replaces glutamic acid, which is acidic and polar, with lysine, which is basic and polar, at codon 269 of the COL9A3 protein (p.Glu269Lys). This variant is present in population databases (rs561230573, gnomAD 0.008%). This variant has not been reported in the literature in individuals affected with COL9A3-related conditions. ClinVar contains an entry for this variant (Variation ID: 1947663). Advanced modeling of protein sequence and biophysical properties (such as structural, functional, and spatial information, amino acid conservation, physicochemical variation, residue mobility, and thermodynamic stability) performed at Invitae indicates that this missense variant is not expected to disrupt COL9A3 protein function with a negative predictive value of 95%. In summary, the available evidence is currently insufficient to determine the role of this variant in disease. Therefore, it has been classified as a Variant of Uncertain Significance.

NM_001853.4(COL9A3):c.805G>A (p.Glu269Lys)

Gene: COL9A3 (collagen type IX alpha 3 chain; plus strand). Cytogenetic location: 20q13.33.
Variant type: single nucleotide variant.
Coding change: c.805G>A on transcript NM_001853.4 (MANE Select); coding-DNA position 805, G replaced by A.
Protein change: p.Glu269Lys; replaces glutamic acid 269 with lysine.
Molecular consequence: missense variant.
Genome position (GRCh38, 1-based): chr20:62,827,253, G>A. VCF-style: chr20-62827253-G-A. GRCh37 (hg19) VCF-style: chr20-61458605-G-A.
Other names: short protein forms E269K.
Identifiers: ClinVar variation 1947663 (VCV001947663.5), dbSNP rs561230573, ClinGen allele CA9949529.